The following is an entry in ClinVar:

NM_198253.3(TERT):c.1448A>G (p.Asn483Ser)

Gene: TERT (telomerase reverse transcriptase; minus strand). Cytogenetic location: 5p15.33.
Variant type: single nucleotide variant.
Coding change: c.1448A>G on transcript NM_198253.3 (MANE Select); coding-DNA position 1448, A replaced by G.
Protein change: p.Asn483Ser; replaces asparagine 483 with serine.
Molecular consequence: missense variant. On other transcripts: non-coding transcript variant (2).
Genome position (GRCh38, 1-based): chr5:1,293,438, T>C on the plus strand (A>G on the coding strand, the complement: TERT is on the minus strand). VCF-style: chr5-1293438-T-C. GRCh37 (hg19) VCF-style: chr5-1293553-T-C.
Other names: c.1448A>G, p.Asn483Ser (NM_001193376.3); short protein forms N483S.
Identifiers: ClinVar variation 1337469 (VCV001337469.6), dbSNP rs2126684107, ClinGen allele CA359085588.

ClinVar aggregate classification (germline): Uncertain significance. Review status: criteria provided, multiple submitters, no conflicts (2 of 4 stars). 2 submissions from 2 submitters: Uncertain significance (2). Last evaluated 2022-05-20.

Conditions:
Dyskeratosis congenita. Identifiers: Orphanet 1775, MedGen C0265965, MONDO:0015780.

Submissions (2):

Ambry Genetics
Classification: Uncertain significance for Dyskeratosis congenita. Last evaluated: 2022-05-20. Review status: criteria provided, single submitter. Criteria: Ambry Variant Classification Scheme 2023. Collection method: clinical testing. Allele origin: germline.
Comment: The p.N483S variant (also known as c.1448A>G), located in coding exon 2 of the TERT gene, results from an A to G substitution at nucleotide position 1448. The asparagine at codon 483 is replaced by serine, an amino acid with highly similar properties. This amino acid position is conserved. In addition, the in silico prediction for this alteration is inconclusive. Since supporting evidence is limited at this time, the clinical significance of this alteration remains unclear.

Genetic Services Laboratory, University of Chicago
Classification: Uncertain significance. Last evaluated: 2019-12-13. Review status: criteria provided, single submitter. Criteria: ACMG Guidelines, 2015. Collection method: clinical testing. Allele origin: germline. Affected: no.
Comment: DNA sequence analysis of the TERT gene demonstrated a sequence change, c.1448A>G, in exon 2 that results in an amino acid change, p.Asn483Ser. This sequence change does not appear to have been previously described in patients with TERT-related disorders. This sequence change is absent from the large population databases (ExAC and gnomAD). The p.Asn483Ser change affects a highly conserved amino acid residue located in a domain of the TERT protein that is known to be functional. In-silico pathogenicity prediction tools (SIFT, PolyPhen2, Align GVGD, REVEL) provide contradictory results for the p.Asn483Ser substitution. Due to these contrasting evidences and the lack of functional studies, the clinical significance of the p.Asn483Ser change remains unknown at this time.